The following is an entry in ClinVar:

ClinVar aggregate classification (germline): Uncertain significance. Review status: criteria provided, multiple submitters, no conflicts (2 of 4 stars). 3 submissions from 3 submitters: Uncertain significance (3). Last evaluated 2025-08-30.

Conditions:
Inborn genetic diseases. Identifiers: MedGen C0950123, MeSH D030342.
Cone dystrophy with supernormal rod response (CDSRR). Also called: CONE DYSTROPHY WITH SUPERNORMAL ROD RESPONSES. Identifiers: Orphanet 209932, MedGen C1835897, MONDO:0012475, OMIM 610356.

Allele frequency attached by ClinVar (database versions not stated): gnomAD exomes 0.00001 and 0.00003; ExAC 0.00003; gnomAD 0.00008; TOPMed 0.00008; 1000 Genomes Project 0.00040; 1000 Genomes Project 30x 0.00047.
gnomAD v4.1: 33 of 1,614,116 alleles (0.002%); highest among the groups gnomAD compares: African/African-American, 0.044%; no homozygotes.

Submissions (3):

Ambry Genetics
Classification: Uncertain significance for Inborn genetic diseases. Last evaluated: 2025-08-30. Review status: criteria provided, single submitter. Criteria: Ambry Variant Classification Scheme 2023. Collection method: clinical testing. Allele origin: germline.

Revvity Omics, Revvity
Classification: Uncertain significance for Cone dystrophy with supernormal rod response. Last evaluated: 2025-02-10. Review status: criteria provided, single submitter. Criteria: ACMG Guidelines, 2015. Collection method: clinical testing. Allele origin: germline.

Labcorp Genetics (formerly Invitae), Labcorp
Classification: Uncertain significance. Last evaluated: 2023-07-17. Review status: criteria provided, single submitter. Criteria: Invitae Variant Classification Sherloc (09022015). Collection method: clinical testing. Allele origin: germline.
Comment: This sequence change replaces threonine, which is neutral and polar, with alanine, which is neutral and non-polar, at codon 509 of the KCNV2 protein (p.Thr509Ala). In summary, the available evidence is currently insufficient to determine the role of this variant in disease. Therefore, it has been classified as a Variant of Uncertain Significance. Advanced modeling of protein sequence and biophysical properties (such as structural, functional, and spatial information, amino acid conservation, physicochemical variation, residue mobility, and thermodynamic stability) performed at Invitae indicates that this missense variant is not expected to disrupt KCNV2 protein function. ClinVar contains an entry for this variant (Variation ID: 1025767). This variant has not been reported in the literature in individuals affected with KCNV2-related conditions. This variant is present in population databases (rs140745549, gnomAD 0.03%).

NM_133497.4(KCNV2):c.1525A>G (p.Thr509Ala)

Gene: KCNV2 (potassium voltage-gated channel modifier subfamily V member 2; plus strand). Cytogenetic location: 9p24.2.
Variant type: single nucleotide variant.
Coding change: c.1525A>G on transcript NM_133497.4 (MANE Select); coding-DNA position 1525, A replaced by G.
Protein change: p.Thr509Ala; replaces threonine 509 with alanine.
Molecular consequence: missense variant.
Genome position (GRCh38, 1-based): chr9:2,729,614, A>G. VCF-style: chr9-2729614-A-G. GRCh37 (hg19) VCF-style: chr9-2729614-A-G.
Other names: c.1525A>G (NM_133497.3); short protein forms T509A.
Identifiers: ClinVar variation 1025767 (VCV001025767.8), dbSNP rs140745549, ClinGen allele CA4965935.